The following is an entry in ClinVar:

ClinVar aggregate classification (germline): Uncertain significance. Review status: criteria provided, multiple submitters, no conflicts (2 of 4 stars). 2 submissions from 2 submitters: Uncertain significance (2). Last evaluated 2025-12-19.

Conditions:
DICER1-related tumor predisposition. Also called: DICER1-related pleuropulmonary blastoma cancer predisposition syndrome; DICER1 syndrome. Identifiers: Orphanet 284343, MedGen C3839822, MONDO:0100216.
Hereditary cancer-predisposing syndrome. Also called: Hereditary neoplastic syndrome; Neoplastic Syndromes, Hereditary; Tumor predisposition; Hereditary Cancer Syndrome. Identifiers: Orphanet 140162, MedGen C0027672, MeSH D009386, MONDO:0015356.

Submissions (2):

Labcorp Genetics (formerly Invitae), Labcorp
Classification: Uncertain significance for DICER1-related tumor predisposition. Last evaluated: 2025-12-19. Review status: criteria provided, single submitter. Criteria: Invitae Variant Classification Sherloc (09022015). Collection method: clinical testing. Allele origin: germline.
Comment: This sequence change replaces leucine, which is neutral and non-polar, with phenylalanine, which is neutral and non-polar, at codon 1548 of the DICER1 protein (p.Leu1548Phe). This variant is not present in population databases (gnomAD no frequency). This variant has not been reported in the literature in individuals affected with DICER1-related conditions. ClinVar contains an entry for this variant (Variation ID: 412107). Invitae Evidence Modeling of protein sequence and biophysical properties (such as structural, functional, and spatial information, amino acid conservation, physicochemical variation, residue mobility, and thermodynamic stability) indicates that this missense variant is not expected to disrupt DICER1 protein function with a negative predictive value of 95%. In summary, the available evidence is currently insufficient to determine the role of this variant in disease. Therefore, it has been classified as a Variant of Uncertain Significance.

Ambry Genetics
Classification: Uncertain significance for Hereditary cancer-predisposing syndrome. Last evaluated: 2024-09-13. Review status: criteria provided, single submitter. Criteria: Ambry Variant Classification Scheme 2023. Collection method: clinical testing. Allele origin: germline.
Comment: The p.L1548F variant (also known as c.4644G>C), located in coding exon 22 of the DICER1 gene, results from a G to C substitution at nucleotide position 4644. The leucine at codon 1548 is replaced by phenylalanine, an amino acid with highly similar properties. This amino acid position is highly conserved in available vertebrate species. In addition, the in silico prediction for this alteration is inconclusive. Since supporting evidence is limited at this time, the clinical significance of this alteration remains unclear.

NM_177438.3(DICER1):c.4644G>C (p.Leu1548Phe)

Gene: DICER1 (dicer 1, ribonuclease III; minus strand). Cytogenetic location: 14q32.13.
Variant type: single nucleotide variant.
Coding change: c.4644G>C on transcript NM_177438.3 (MANE Select); coding-DNA position 4644, G replaced by C.
Protein change: p.Leu1548Phe; replaces leucine 1548 with phenylalanine.
Molecular consequence: missense variant.
Genome position (GRCh38, 1-based): chr14:95,096,276, C>G on the plus strand (G>C on the coding strand, the complement: DICER1 is on the minus strand). VCF-style: chr14-95096276-C-G. GRCh37 (hg19) VCF-style: chr14-95562613-C-G.
Other names: c.4644G>C, p.Leu1548Phe (NM_001195573.1, NM_001271282.3, NM_001291628.2 and 1 more transcripts); short protein forms L1548F.
Identifiers: ClinVar variation 412107 (VCV000412107.13), dbSNP rs1060503619, ClinGen allele CA16614621.